The following is an entry in ClinVar:

NM_145725.3(TRAF3):c.513del (p.Lys171fs)

Gene: TRAF3 (TNF receptor associated factor 3; plus strand). Cytogenetic location: 14q32.32.
Variant type: Deletion.
Coding change: c.513del on transcript NM_145725.3 (MANE Select); coding-DNA position 513, one base deleted (A; older notation c.513delA).
Protein change: p.Lys171fs; shifts the reading frame from lysine 171.
Molecular consequence: frameshift variant.
Genome position (GRCh38, 1-based): chr14:102,876,468, A deleted; the last of 3 consecutive A bases (chr14:102,876,466-102,876,468); deleting any one gives the same sequence. VCF-style (leftmost placement, unchanged base first): chr14-102876465-TA-T. GRCh37 (hg19) VCF-style: chr14-103342802-TA-T.
Other names: c.513del, p.Lys171fs (NM_001199427.2, NM_001385142.1, NM_001385143.1 and 2 more transcripts); short protein forms K171fs.
Identifiers: ClinVar variation 847131 (VCV000847131.8), dbSNP rs1888655288, ClinGen allele CA916080553.
Genomic context (GRCh38, chr14:102,876,465, plus strand): 5'-TCCTGACTGCAAAGAAAAGGTCTTGAGGAAAGACCTGCGAGACCACGTGGAGAAGGCGTG[TA>T]AATACCGGGAAGCCACATGCAGCCACTGCAAGAGTCAGGTTCCGATGATCGCGCTGCAGG-3'

ClinVar aggregate classification (germline): Uncertain significance (1 of 4 stars; one submission).

Conditions:
Immunodeficiency 132A. Also called: Herpes simplex encephalitis, susceptibility to, 3. Identifiers: Orphanet 1930, MedGen C3553868, MONDO:0013920, OMIM 614849.

Submission:

Labcorp Genetics (formerly Invitae), Labcorp
Classification: Uncertain significance for Immunodeficiency 132A. Last evaluated: 2022-06-04. Review status: criteria provided, single submitter. Criteria: Invitae Variant Classification Sherloc (09022015). Collection method: clinical testing. Allele origin: germline.
Comment: This sequence change creates a premature translational stop signal (p.Lys171Asnfs*16) in the TRAF3 gene. It is expected to result in an absent or disrupted protein product. However, the current clinical and genetic evidence is not sufficient to establish whether loss-of-function variants in TRAF3 cause disease. This variant is not present in population databases (gnomAD no frequency). This variant has not been reported in the literature in individuals affected with TRAF3-related conditions. ClinVar contains an entry for this variant (Variation ID: 847131). In summary, the available evidence is currently insufficient to determine the role of this variant in disease. Therefore, it has been classified as a Variant of Uncertain Significance.